The following is an entry in ClinVar:

NM_000417.3(IL2RA):c.589G>A (p.Glu197Lys)

Gene: IL2RA (interleukin 2 receptor subunit alpha; minus strand). Cytogenetic location: 10p15.1.
Variant type: single nucleotide variant.
Coding change: c.589G>A on transcript NM_000417.3 (MANE Select); coding-DNA position 589, G replaced by A.
Protein change: p.Glu197Lys; replaces glutamic acid 197 with lysine.
Molecular consequence: missense variant. On other transcripts: intron variant (1).
Genome position (GRCh38, 1-based): chr10:6,019,936, C>T on the plus strand (G>A on the coding strand, the complement: IL2RA is on the minus strand). VCF-style: chr10-6019936-C-T. GRCh37 (hg19) VCF-style: chr10-6061899-C-T.
Other names: c.373G>A, p.Glu125Lys (NM_001308242.2); c.368-437G>A (NM_001308243.2); short protein forms E125K, E197K.
Identifiers: ClinVar variation 2160778 (VCV002160778.3), dbSNP rs913832702, ClinGen allele CA202292683.

ClinVar aggregate classification (germline): Uncertain significance (1 of 4 stars; one submission).

Conditions:
Immunodeficiency due to CD25 deficiency. Also called: CD25 DEFICIENCY; IL2RA DEFICIENCY; IMMUNODEFICIENCY 41 WITH LYMPHOPROLIFERATION AND AUTOIMMUNITY. Identifiers: Orphanet 169100, MedGen C1853392, MONDO:0011664, OMIM 606367.

Allele frequency attached by ClinVar (database versions not stated): gnomAD 0.00001; TOPMed 0.00002.
gnomAD v4.1: 11 of 1,613,846 alleles (0.00068%); highest among the groups gnomAD compares: Non-Finnish European, 0.00093%; no homozygotes.

Submission:

Labcorp Genetics (formerly Invitae), Labcorp
Classification: Uncertain significance for Immunodeficiency due to CD25 deficiency. Last evaluated: 2024-02-20. Review status: criteria provided, single submitter. Criteria: Invitae Variant Classification Sherloc (09022015). Collection method: clinical testing. Allele origin: germline.
Comment: This sequence change replaces glutamic acid, which is acidic and polar, with lysine, which is basic and polar, at codon 197 of the IL2RA protein (p.Glu197Lys). This variant is not present in population databases (gnomAD no frequency). This variant has not been reported in the literature in individuals affected with IL2RA-related conditions. ClinVar contains an entry for this variant (Variation ID: 2160778). Advanced modeling of protein sequence and biophysical properties (such as structural, functional, and spatial information, amino acid conservation, physicochemical variation, residue mobility, and thermodynamic stability) performed at Invitae indicates that this missense variant is not expected to disrupt IL2RA protein function with a negative predictive value of 80%. In summary, the available evidence is currently insufficient to determine the role of this variant in disease. Therefore, it has been classified as a Variant of Uncertain Significance.